The following is an entry in ClinVar:

NM_000338.3(SLC12A1):c.2873+1G>T

Gene: SLC12A1 (solute carrier family 12 member 1; plus strand). Cytogenetic location: 15q21.1.
Variant type: single nucleotide variant.
Coding change: c.2873+1G>T on transcript NM_000338.3 (MANE Select); the canonical splice donor site of the intron after coding-DNA position 2873, G replaced by T.
Molecular consequence: splice donor variant.
Genome position (GRCh38, 1-based): chr15:48,288,517, G>T. VCF-style: chr15-48288517-G-T. GRCh37 (hg19) VCF-style: chr15-48580714-G-T.
Other names: c.2873+1G>T (NM_001384136.1, NM_001184832.2).
Identifiers: ClinVar variation 1067886 (VCV001067886.8), dbSNP rs201930377, ClinGen allele CA392318393.
Genomic context (GRCh38, chr15:48,288,517, plus strand): 5'-CTGTAAATTAAGAATCTATGTGGGAGGGAAGATCAACCGCATTGAAGAAGAAAAAATTGT[G>T]TAAGTAGTTTGCCACTCACATGTTAGGTCATTTCAGAGGTTTGTTGCTTTAATGCTTTAA-3'

ClinVar aggregate classification (germline): Likely pathogenic (1 of 4 stars; one submission).

Submission:

Labcorp Genetics (formerly Invitae), Labcorp
Classification: Likely pathogenic. Last evaluated: 2017-10-31. Review status: criteria provided, single submitter. Criteria: Invitae Variant Classification Sherloc (09022015). Collection method: clinical testing. Allele origin: germline.
Comment: Algorithms developed to predict the effect of sequence changes on RNA splicing suggest that this variant may disrupt the consensus splice site, but this prediction has not been confirmed by published transcriptional studies. In summary, the currently available evidence indicates that the variant is pathogenic, but additional data are needed to prove that conclusively. Therefore, this variant has been classified as Likely Pathogenic. Donor and acceptor splice site variants typically lead to a loss of protein function (PMID: 16199547), and loss-of-function variants in SLC12A1 are known to be pathogenic (PMID: 8640224, 9585600, 19096086). This variant has not been reported in the literature in individuals with SLC12A1-related disease. This variant is not present in population databases (ExAC no frequency). This sequence change affects a donor splice site in intron 23 of the SLC12A1 gene. It is expected to disrupt RNA splicing and likely results in an absent or disrupted protein product.

Literature cited by the submitters: PubMed 16199547; PubMed 8640224; PubMed 9585600; PubMed 19096086.